The following is an entry in ClinVar:

NM_001374259.2(IL12RB2):c.955G>A (p.Glu319Lys)

Gene: IL12RB2 (interleukin 12 receptor subunit beta 2; plus strand). Cytogenetic location: 1p31.3.
Variant type: single nucleotide variant.
Coding change: c.955G>A on transcript NM_001374259.2 (MANE Select); coding-DNA position 955, G replaced by A.
Protein change: p.Glu319Lys; replaces glutamic acid 319 with lysine.
Molecular consequence: missense variant. On other transcripts: non-coding transcript variant (2).
Genome position (GRCh38, 1-based): chr1:67,330,807, G>A. VCF-style: chr1-67330807-G-A. GRCh37 (hg19) VCF-style: chr1-67796490-G-A.
Other names: c.955G>A, p.Glu319Lys (NM_001258214.1, NM_001258215.1, NM_001258216.1 and 2 more transcripts); c.955G>A (NM_001559.2); short protein forms E319K.
Identifiers: ClinVar variation 1647998 (VCV001647998.10), dbSNP rs151216886, ClinGen allele CA900329.

ClinVar aggregate classification (germline): Conflicting classifications of pathogenicity. Review status: criteria provided, conflicting classifications (1 of 4 stars). 3 submissions from 3 submitters: Uncertain significance (1); Likely benign (2). Last evaluated 2026-01-18.

Conditions:
IL12RB2-related disorder. Also called: IL12RB2-related condition.

Allele frequency attached by ClinVar (database versions not stated): gnomAD exomes 0.00007 and 0.00023; ExAC 0.00021; gnomAD 0.00081 and 0.00086; TOPMed 0.00085; ESP Exome Variant Server 0.00092; 1000 Genomes Project 0.00140; 1000 Genomes Project 30x 0.00141.
gnomAD v4.1: 225 of 1,540,990 alleles (0.015%); highest among the groups gnomAD compares: African/African-American, 0.26%; 1 homozygote.

Submissions (3):

Labcorp Genetics (formerly Invitae), Labcorp
Classification: Likely benign. Last evaluated: 2026-01-18. Review status: criteria provided, single submitter. Criteria: Invitae Variant Classification Sherloc (09022015). Collection method: clinical testing. Allele origin: germline.

Ambry Genetics
Classification: Uncertain significance. Last evaluated: 2025-08-06. Review status: criteria provided, single submitter. Criteria: Ambry Variant Classification Scheme 2023. Collection method: clinical testing. Allele origin: germline.

PreventionGenetics, part of Exact Sciences
Classification: Likely benign for IL12RB2-related condition. Last evaluated: 2025-06-19. Review status: criteria provided, single submitter. Criteria: ACMG Guidelines, 2015. Collection method: clinical testing. Allele origin: germline.
Comment: This variant is classified as likely benign based on ACMG/AMP sequence variant interpretation guidelines (Richards et al. 2015 PMID: 25741868, with internal and published modifications).